The following is an entry in ClinVar:

ClinVar aggregate classification (germline): Uncertain significance (1 of 4 stars; one submission).

Submission:

Labcorp Genetics (formerly Invitae), Labcorp
Classification: Uncertain significance. Last evaluated: 2024-03-28. Review status: criteria provided, single submitter. Criteria: Invitae Variant Classification Sherloc (09022015). Collection method: clinical testing. Allele origin: germline.
Comment: This sequence change replaces leucine, which is neutral and non-polar, with valine, which is neutral and non-polar, at codon 547 of the CHM protein (p.Leu547Val). This variant is not present in population databases (gnomAD no frequency). This variant has not been reported in the literature in individuals affected with CHM-related conditions. ClinVar contains an entry for this variant (Variation ID: 1717749). Advanced modeling of protein sequence and biophysical properties (such as structural, functional, and spatial information, amino acid conservation, physicochemical variation, residue mobility, and thermodynamic stability) performed at Invitae indicates that this missense variant is not expected to disrupt CHM protein function with a negative predictive value of 80%. In summary, the available evidence is currently insufficient to determine the role of this variant in disease. Therefore, it has been classified as a Variant of Uncertain Significance.

NM_000390.4(CHM):c.1639C>G (p.Leu547Val)

Gene: CHM (CHM Rab escort protein; minus strand). Cytogenetic location: Xq21.2.
Variant type: single nucleotide variant.
Coding change: c.1639C>G on transcript NM_000390.4 (MANE Select); coding-DNA position 1639, C replaced by G.
Protein change: p.Leu547Val; replaces leucine 547 with valine.
Molecular consequence: missense variant.
Genome position (GRCh38, 1-based): chrX:85,873,183, G>C on the plus strand (C>G on the coding strand, the complement: CHM is on the minus strand). VCF-style: chrX-85873183-G-C. GRCh37 (hg19) VCF-style: chrX-85128188-G-C.
Other names: c.1195C>G, p.Leu399Val (NM_001320959.1, NM_001362517.1, NM_001362518.2 and 1 more transcripts); short protein forms L399V, L547V.
Identifiers: ClinVar variation 1717749 (VCV001717749.5), dbSNP rs373323172, ClinGen allele CA413786944.